The following is an entry in ClinVar:

ClinVar aggregate classification (germline): Uncertain significance. Review status: criteria provided, multiple submitters, no conflicts (2 of 4 stars). 2 submissions from 2 submitters: Uncertain significance (2). Last evaluated 2025-02-16.

Allele frequency attached by ClinVar (database versions not stated): gnomAD exomes below 0.00001.
gnomAD v4.1: 1 of 1,208,460 alleles (0.000083%); highest among the groups gnomAD compares: Non-Finnish European, 0.00011%; no homozygotes.

Submissions (2):

Laboratory of Genetics, Children's Clinical University Hospital Latvia
Classification: Uncertain significance. Last evaluated: 2025-02-16. Review status: criteria provided, single submitter. Criteria: ACMG Guidelines, 2015. Collection method: clinical testing. Allele origin: germline. Affected: yes.

GeneDx
Classification: Uncertain significance. Last evaluated: 2023-09-19. Review status: criteria provided, single submitter. Criteria: GeneDx Variant Classification Process June 2021. Collection method: clinical testing. Allele origin: germline. Affected: yes.
Comment: Not observed at significant frequency in large population cohorts (gnomAD); In silico analysis supports that this missense variant has a deleterious effect on protein structure/function; This variant is associated with the following publications: (PMID: 35431806)

NM_002025.4(AFF2):c.230A>T (p.Asn77Ile)

Gene: AFF2 (ALF transcription elongation factor 2; plus strand). Cytogenetic location: Xq28.
Variant type: single nucleotide variant.
Coding change: c.230A>T on transcript NM_002025.4 (MANE Select); coding-DNA position 230, A replaced by T.
Protein change: p.Asn77Ile; replaces asparagine 77 with isoleucine.
Molecular consequence: missense variant.
Genome position (GRCh38, 1-based): chrX:148,661,957, A>T. VCF-style: chrX-148661957-A-T. GRCh37 (hg19) VCF-style: chrX-147743478-A-T.
Other names: c.218A>T, p.Asn73Ile (NM_001169122.2, NM_001169123.2, NM_001169125.2); c.230A>T, p.Asn77Ile (NM_001169124.2); short protein forms N73I, N77I.
Identifiers: ClinVar variation 2580764 (VCV002580764.2), dbSNP rs2521394598, ClinGen allele CA414508598.